The following is an entry in ClinVar:

NM_153717.3(EVC):c.39_40del (p.Leu14fs)

Gene: EVC (EvC ciliary complex subunit 1; plus strand). Cytogenetic location: 4p16.2.
Variant type: Deletion.
Coding change: c.39_40del on transcript NM_153717.3 (MANE Select); coding-DNA positions 39 to 40, 2 bases deleted (GC; older notation c.39_40delGC).
Protein change: p.Leu14fs; shifts the reading frame from leucine 14.
Molecular consequence: frameshift variant.
Genome position (GRCh38, 1-based): chr4:5,711,419-5,711,420, GC deleted. VCF-style (leftmost placement, unchanged base first): chr4-5711418-GGC-G. GRCh37 (hg19) VCF-style: chr4-5713145-GGC-G.
Other names: c.39_40del, p.Leu14fs (NM_001306090.2, NM_001306092.2); short protein forms L14fs.
Identifiers: ClinVar variation 1725930 (VCV001725930.2), dbSNP rs2474192840, ClinGen allele CA2580070797.

ClinVar aggregate classification (germline): Likely pathogenic (1 of 4 stars; one submission).

Conditions:
Ellis-van Creveld syndrome (EVC). Also called: EVC-Related Ellis-van Creveld Syndrome; EVC2-Related Ellis-van Creveld Syndrome; MESOECTODERMAL DYSPLASIA; Chondroectodermal dysplasia. Identifiers: Orphanet 289, MedGen C0013903, MONDO:0009162, OMIM 225500.

Submission:

Myriad Genetics, Inc.
Classification: Likely pathogenic for Ellis-van Creveld syndrome. Last evaluated: 2022-04-16. Review status: criteria provided, single submitter. Criteria: Myriad Women's Health Autosomal Recessive and X-Linked Classification Criteria (2021). Collection method: clinical testing. Allele origin: unknown.
Comment: NM_153717.2(EVC):c.39_40delGC(L14Afs*58) is expected to be pathogenic in the context of EVC-related Ellis-van Creveld syndrome. This variant is predicted to lead to an abnormal or absent protein product due to the creation of a premature termination codon in EVC, a gene where loss-of-function variants are known to be pathogenic. Please note: this variant was assessed in the context of healthy population screening.